The following is an entry in ClinVar:

NM_003124.5(SPR):c.782A>G (p.Lys261Arg)

Gene: SPR (sepiapterin reductase; plus strand). Cytogenetic location: 2p13.2.
Variant type: single nucleotide variant.
Coding change: c.782A>G on transcript NM_003124.5 (MANE Select); coding-DNA position 782, A replaced by G.
Protein change: p.Lys261Arg; replaces lysine 261 with arginine.
Molecular consequence: missense variant.
Genome position (GRCh38, 1-based): chr2:72,891,533, A>G. VCF-style: chr2-72891533-A-G. GRCh37 (hg19) VCF-style: chr2-73118662-A-G.
Other names: short protein forms K261R.
Identifiers: ClinVar variation 1412099 (VCV001412099.5), dbSNP rs148735171, ClinGen allele CA1709035.

ClinVar aggregate classification (germline): Uncertain significance (1 of 4 stars; one submission).

Conditions:
Dystonic disorder. Also called: Dystonia. Identifiers: MedGen C0013421, MONDO:0003441, HP:0001332.

Allele frequency attached by ClinVar (database versions not stated): ExAC 0.00001; gnomAD 0.00001; TOPMed 0.00001; gnomAD exomes 0.00002; ESP Exome Variant Server 0.00015.
gnomAD v4.1: 29 of 1,614,126 alleles (0.0018%); highest among the groups gnomAD compares: Non-Finnish European, 0.0022%; no homozygotes.

Submission:

Labcorp Genetics (formerly Invitae), Labcorp
Classification: Uncertain significance for Dystonic disorder. Last evaluated: 2022-10-17. Review status: criteria provided, single submitter. Criteria: Invitae Variant Classification Sherloc (09022015). Collection method: clinical testing. Allele origin: germline.
Comment: This sequence change replaces lysine, which is basic and polar, with arginine, which is basic and polar, at codon 261 of the SPR protein (p.Lys261Arg). This variant is present in population databases (rs148735171, gnomAD 0.004%). This variant has not been reported in the literature in individuals affected with SPR-related conditions. ClinVar contains an entry for this variant (Variation ID: 1412099). Algorithms developed to predict the effect of missense changes on protein structure and function (SIFT, PolyPhen-2, Align-GVGD) all suggest that this variant is likely to be tolerated. In summary, the available evidence is currently insufficient to determine the role of this variant in disease. Therefore, it has been classified as a Variant of Uncertain Significance.